The following is an entry in ClinVar:

ClinVar aggregate classification (germline): Benign/Likely benign. Review status: criteria provided, multiple submitters, no conflicts (2 of 4 stars). 4 submissions from 4 submitters: Benign (2); Likely benign (2). Last evaluated 2024-10-28.

Allele frequency attached by ClinVar (database versions not stated): gnomAD 0.00006 and 0.00028; TOPMed 0.00007; gnomAD exomes 0.00056 and 0.00116; ExAC 0.00129; 1000 Genomes Project 30x 0.00172; 1000 Genomes Project 0.00200.
gnomAD v4.1: 863 of 1,610,462 alleles (0.054%); highest among the groups gnomAD compares: South Asian, 0.83%; 12 homozygotes.

Submissions (4):

Blueprint Genetics
Classification: Likely benign. Last evaluated: 2024-10-28. Review status: criteria provided, single submitter. Criteria: ACMG Guidelines, 2015. Collection method: clinical testing. Allele origin: germline.

CeGaT Center for Human Genetics Tuebingen
Classification: Likely benign. Last evaluated: 2024-10-01. Review status: criteria provided, single submitter. Criteria: CeGaT Center For Human Genetics Tuebingen Variant Classification Criteria Version 2. Collection method: clinical testing. Allele origin: germline. Affected: yes. Observed: 5 variant alleles.
Comment: NTNG2: BP4, BP7

Labcorp Genetics (formerly Invitae), Labcorp
Classification: Benign. Last evaluated: 2018-04-16. Review status: criteria provided, single submitter. Criteria: Invitae Variant Classification Sherloc (09022015). Collection method: clinical testing. Allele origin: germline.

Breakthrough Genomics
Classification: Benign. Review status: criteria provided, single submitter. Criteria: ACMG Guidelines, 2015. Collection method: not provided. Allele origin: germline. Inheritance: Autosomal recessive inheritance. Affected: yes.

NM_032536.4(NTNG2):c.717C>T (p.Ser239=)

Gene: NTNG2 (netrin G2; plus strand). Cytogenetic location: 9q34.13.
Variant type: single nucleotide variant.
Coding change: c.717C>T on transcript NM_032536.4 (MANE Select); coding-DNA position 717, C replaced by T.
Protein change: p.Ser239=; no amino-acid change (serine 239 retained).
Molecular consequence: synonymous variant.
Genome position (GRCh38, 1-based): chr9:132,198,469, C>T. VCF-style: chr9-132198469-C-T. GRCh37 (hg19) VCF-style: chr9-135073856-C-T.
Identifiers: ClinVar variation 729325 (VCV000729325.28), dbSNP rs566856061, ClinGen allele CA5295974.
Genomic context (GRCh38, chr9:132,198,469, plus strand): 5'-CGCCATCTTTGCCGGCCCCGACCTGCGCAACATGGACAACCTCTACACGCGGCTGGAGAG[C>T]GCCAAGGGCCTCAAGGAGTTCTTCACCCTCACCGACCTGCGCATGCGGCTGCTGCGCCCG-3'
Protein context (NP_115925.2, residues 229-249): NMDNLYTRLE[Ser239=]AKGLKEFFTL